The following is an entry in ClinVar:

NM_032608.7(MYO18B):c.6285G>C (p.Glu2095Asp)

Gene: MYO18B (myosin XVIIIB; plus strand). Cytogenetic location: 22q12.1.
Variant type: single nucleotide variant.
Coding change: c.6285G>C on transcript NM_032608.7 (MANE Select); coding-DNA position 6285, G replaced by C.
Protein change: p.Glu2095Asp; replaces glutamic acid 2095 with aspartic acid.
Molecular consequence: missense variant.
Genome position (GRCh38, 1-based): chr22:25,992,491, G>C. VCF-style: chr22-25992491-G-C. GRCh37 (hg19) VCF-style: chr22-26388457-G-C.
Other names: c.6288G>C, p.Glu2096Asp (NM_001318245.2); short protein forms E2095D, E2096D.
Identifiers: ClinVar variation 1898168 (VCV001898168.5), dbSNP rs754654475, ClinGen allele CA10161456.

ClinVar aggregate classification (germline): Uncertain significance (1 of 4 stars; one submission).

Allele frequency attached by ClinVar (database versions not stated): gnomAD exomes below 0.00001; ExAC 0.00001.
gnomAD v4.1: 1 of 1,613,912 alleles (0.000062%); highest among the groups gnomAD compares: Non-Finnish European, 0.000085%; no homozygotes.

Submission:

Labcorp Genetics (formerly Invitae), Labcorp
Classification: Uncertain significance. Last evaluated: 2024-12-02. Review status: criteria provided, single submitter. Criteria: Invitae Variant Classification Sherloc (09022015). Collection method: clinical testing. Allele origin: germline.
Comment: This sequence change replaces glutamic acid, which is acidic and polar, with aspartic acid, which is acidic and polar, at codon 2095 of the MYO18B protein (p.Glu2095Asp). This variant is present in population databases (rs754654475, gnomAD 0.0009%). This variant has not been reported in the literature in individuals affected with MYO18B-related conditions. ClinVar contains an entry for this variant (Variation ID: 1898168). An algorithm developed to predict the effect of missense changes on protein structure and function outputs the following: PolyPhen-2: "Possibly Damaging". The aspartic acid amino acid residue is found in multiple mammalian species, which suggests that this missense change does not adversely affect protein function. In summary, the available evidence is currently insufficient to determine the role of this variant in disease. Therefore, it has been classified as a Variant of Uncertain Significance.